The following is an entry in ClinVar:

NM_005121.3(MED13):c.275C>G (p.Ala92Gly)

Gene: MED13 (mediator complex subunit 13; minus strand). Cytogenetic location: 17q23.2.
Variant type: single nucleotide variant.
Coding change: c.275C>G on transcript NM_005121.3 (MANE Select); coding-DNA position 275, C replaced by G.
Protein change: p.Ala92Gly; replaces alanine 92 with glycine.
Molecular consequence: missense variant.
Genome position (GRCh38, 1-based): chr17:62,063,093, G>C on the plus strand (C>G on the coding strand, the complement: MED13 is on the minus strand). VCF-style: chr17-62063093-G-C. GRCh37 (hg19) VCF-style: chr17-60140454-G-C.
Other names: short protein forms A92G.
Identifiers: ClinVar variation 3042214 (VCV003042214.3), dbSNP rs201291402, ClinGen allele CA8693363.

ClinVar aggregate classification (germline): Likely benign. Review status: criteria provided, single submitter (1 of 4 stars). 2 submissions from 2 submitters: Likely benign (1). 1 of the submissions does not count toward it. Last evaluated 2021-11-22.

Conditions:
MED13-related disorder. Also called: MED13-related condition.
Inborn genetic diseases. Identifiers: MedGen C0950123, MeSH D030342.

Allele frequency attached by ClinVar (database versions not stated): ExAC 0.00022; TOPMed 0.00022; ESP Exome Variant Server 0.00025; gnomAD exomes 0.00026; gnomAD 0.00027.
gnomAD v4.1: 410 of 1,614,064 alleles (0.025%); highest among the groups gnomAD compares: South Asian, 0.065%; 2 homozygotes.

Submissions (2):

Ambry Genetics
Classification: Likely benign for Inborn genetic diseases. Last evaluated: 2021-11-22. Review status: criteria provided, single submitter. Criteria: Ambry Variant Classification Scheme 2023. Collection method: clinical testing. Allele origin: germline.

PreventionGenetics, part of Exact Sciences
Classification: Likely benign for MED13-related condition. Last evaluated: 2022-10-03. Review status: no assertion criteria provided. Collection method: clinical testing. Allele origin: germline. Not counted in ClinVar's aggregate classification.
Comment: This variant is classified as likely benign based on ACMG/AMP sequence variant interpretation guidelines (Richards et al. 2015 PMID: 25741868, with internal and published modifications).